The following is an entry in ClinVar:

NM_024757.5(EHMT1):c.932C>T (p.Thr311Met)

Gene: EHMT1 (euchromatic histone lysine methyltransferase 1; plus strand). Cytogenetic location: 9q34.3.
Variant type: single nucleotide variant.
Coding change: c.932C>T on transcript NM_024757.5 (MANE Select); coding-DNA position 932, C replaced by T.
Protein change: p.Thr311Met; replaces threonine 311 with methionine.
Molecular consequence: missense variant.
Genome position (GRCh38, 1-based): chr9:137,743,479, C>T. VCF-style: chr9-137743479-C-T. GRCh37 (hg19) VCF-style: chr9-140637931-C-T.
Other names: c.932C>T, p.Thr311Met (NM_001145527.2, NM_001354611.2); c.839C>T, p.Thr280Met (NM_001354259.2, NM_001354612.2); c.911C>T, p.Thr304Met (NM_001354263.2); short protein forms T311M, T304M, T280M.
Identifiers: ClinVar variation 531861 (VCV000531861.16), dbSNP rs142727972, ClinGen allele CA5374447.
Genomic context (GRCh38, chr9:137,743,479, plus strand): 5'-GAAGAATGGGAACCTATAGCCTGGTTCCTAAGAAAAAGACCAAAGTATTAAAACAGAGGA[C>T]GGTGATTGAGATGTTTAAGAGCATAACTCATTCCACTGTGGGTTCCAAGGTAAGAGACGC-3'
Protein context (NP_079033.4, residues 301-321): KKKTKVLKQR[Thr311Met]VIEMFKSITH

ClinVar aggregate classification (germline): Benign/Likely benign. Review status: criteria provided, multiple submitters, no conflicts (2 of 4 stars). 3 submissions from 3 submitters: Benign (1); Likely benign (1). 1 of the submissions does not count toward it. Last evaluated 2025-11-23.

Conditions:
Kleefstra syndrome 1 (KLEFS1). Identifiers: Orphanet 261494, MedGen C0795833, MONDO:0027407, OMIM 610253.
EHMT1-related disorder. Also called: EHMT1-related condition.

Allele frequency attached by ClinVar (database versions not stated): gnomAD 0.00036 and 0.00030; ExAC 0.00009; ESP Exome Variant Server 0.00023; TOPMed 0.00032.
gnomAD v4.1: 92 of 1,613,684 alleles (0.0057%); highest among the groups gnomAD compares: African/African-American, 0.095%; no homozygotes.

Submissions (3):

Labcorp Genetics (formerly Invitae), Labcorp
Classification: Likely benign for Kleefstra syndrome 1. Last evaluated: 2025-11-23. Review status: criteria provided, single submitter. Criteria: Invitae Variant Classification Sherloc (09022015). Collection method: clinical testing. Allele origin: germline.

GeneDx
Classification: Benign. Last evaluated: 2019-06-25. Review status: criteria provided, single submitter. Criteria: GeneDx Variant Classification Process June 2021. Collection method: clinical testing. Allele origin: germline. Affected: yes.

PreventionGenetics, part of Exact Sciences
Classification: Likely benign for EHMT1-related condition. Last evaluated: 2022-06-21. Review status: no assertion criteria provided. Collection method: clinical testing. Allele origin: germline. Not counted in ClinVar's aggregate classification.
Comment: This variant is classified as likely benign based on ACMG/AMP sequence variant interpretation guidelines (Richards et al. 2015 PMID: 25741868, with internal and published modifications).